The following is an entry in ClinVar:

ClinVar aggregate classification (germline): Benign (1 of 4 stars; one submission).

Allele frequency attached by ClinVar (database versions not stated): gnomAD 0.11174 and 0.11189; TOPMed 0.12289; 1000 Genomes Project 0.15136; 1000 Genomes Project 30x 0.15319.
gnomAD v4.1: 16,880 of 152,156 alleles (11%); highest among the groups gnomAD compares: African/African-American, 26%; 1,827 homozygotes.

Submission:

GeneDx
Classification: Benign. Last evaluated: 2018-06-18. Review status: criteria provided, single submitter. Criteria: GeneDx Variant Classification (06012015). Collection method: clinical testing. Allele origin: germline. Affected: yes.
Comment: This variant is considered likely benign or benign based on one or more of the following criteria: it is a conservative change, it occurs at a poorly conserved position in the protein, it is predicted to be benign by multiple in silico algorithms, and/or has population frequency not consistent with disease.

NM_001267550.2(TTN):c.30224-244A>G

Gene: TTN (titin; minus strand). Cytogenetic location: 2q31.2.
Variant type: single nucleotide variant.
Coding change: c.30224-244A>G on transcript NM_001267550.2 (MANE Select); 244 bases into the intron before coding-DNA position 30224, A replaced by G.
Molecular consequence: intron variant.
Genome position (GRCh38, 1-based): chr2:178,702,907, T>C on the plus strand (A>G on the coding strand, the complement: TTN is on the minus strand). VCF-style: chr2-178702907-T-C. GRCh37 (hg19) VCF-style: chr2-179567634-T-C.
Other names: c.13282+35175A>G (NM_003319.4); c.13858+35175A>G (NM_133437.4); c.13657+35175A>G (NM_133432.3); c.26492-244A>G (NM_133378.4); c.29273-244A>G (NM_001256850.1).
Identifiers: ClinVar variation 672587 (VCV000672587.1), dbSNP rs2366753, ClinGen allele CA11260884.
Genomic context (GRCh38, chr2:178,702,907, plus strand): 5'-AATTCTTAAGTGTATTCATGCTGGTCGAATGTAGCAAAGTGTAAAGAAATTATTGTGAGT[T>C]CTTAAAATATTTATATAAAGAACATACTAAAGAGAGCTAATGACCCAAAGTCAAATTAAA-3'